The following is an entry in ClinVar:

NM_000059.4(BRCA2):c.2858del (p.Glu953fs)

Gene: BRCA2 (BRCA2 DNA repair associated; plus strand). Cytogenetic location: 13q13.1.
Variant type: Deletion.
Coding change: c.2858del on transcript NM_000059.4 (MANE Select); coding-DNA position 2858, one base deleted (A; older notation c.2858delA).
Protein change: p.Glu953fs; shifts the reading frame from glutamic acid 953.
Molecular consequence: frameshift variant.
Genome position (GRCh38, 1-based): chr13:32,337,213, A deleted. VCF-style (leftmost placement, unchanged base first): chr13-32337212-GA-G. GRCh37 (hg19) VCF-style: chr13-32911349-GA-G.
Other names: 3086delA; short protein forms E953fs.
Identifiers: ClinVar variation 266724 (VCV000266724.5), dbSNP rs886040450, ClinGen allele CA10589176.

ClinVar aggregate classification (germline): Pathogenic. Review status: reviewed by expert panel (3 of 4 stars). 2 submissions from 2 submitters: Pathogenic (1). 1 of the submissions does not count toward it. Last evaluated 2016-10-18.

Conditions:
Breast-ovarian cancer, familial, susceptibility to, 2 (BROVCA2). Also called: BRCA2 Hereditary Breast and Ovarian Cancer. Identifiers: Orphanet 145, MedGen C2675520, MONDO:0012933, OMIM 612555. Disease mechanism: loss of function.

Submissions (2):

Evidence-based Network for the Interpretation of Germline Mutant Alleles (ENIGMA)
Classification: Pathogenic for Breast-ovarian cancer, familial, susceptibility to, 2. Last evaluated: 2016-10-18. Review status: reviewed by expert panel. Criteria: ENIGMA BRCA1/2 Classification Criteria (2015). Collection method: curation. Allele origin: germline.
Comment: Variant allele predicted to encode a truncated non-functional protein.

Consortium of Investigators of Modifiers of BRCA1/2 (CIMBA), c/o University of Cambridge
Classification: Pathogenic for Breast-ovarian cancer, familial, susceptibility to, 2. Last evaluated: 2015-10-02. Review status: criteria provided, single submitter. Criteria: CIMBA Mutation Classification guidelines May 2016. Collection method: clinical testing. Allele origin: germline. Not counted in ClinVar's aggregate classification.